The following is an entry in ClinVar:

NM_004564.3(GATB):c.176+7T>C

Genes: GATB (glutamyl-tRNA amidotransferase subunit B; minus strand), LOC129993225 (ATAC-STARR-seq lymphoblastoid active region 22022; plus strand). Cytogenetic location: 4q31.3.
Variant type: single nucleotide variant.
Coding change: c.176+7T>C on transcript NM_004564.3 (MANE Select); 7 bases into the intron after coding-DNA position 176, T replaced by C.
Molecular consequence: intron variant.
Genome position (GRCh38, 1-based): chr4:151,760,800, A>G on the plus strand (T>C on the coding strand, the complement: GATB is on the minus strand). VCF-style: chr4-151760800-A-G. GRCh37 (hg19) VCF-style: chr4-152681952-A-G.
Other names: c.176+7T>C (NM_001363341.2, NM_004564.2).
Identifiers: ClinVar variation 1274372 (VCV001274372.6), dbSNP rs1429559, ClinGen allele CA3106002.

ClinVar aggregate classification (germline): Benign. Review status: criteria provided, multiple submitters, no conflicts (2 of 4 stars). 4 submissions from 4 submitters: Benign (3). 1 of the submissions does not count toward it. Last evaluated 2021-09-05.

Conditions:
GATB-related disorder. Also called: GATB-related condition.
Combined oxidative phosphorylation deficiency 41. Identifiers: MedGen C5394236, MONDO:0030007, OMIM 618838.

Allele frequency attached by ClinVar (database versions not stated): gnomAD exomes 0.38221 and 0.39176; ExAC 0.40239; TOPMed 0.40793; gnomAD 0.40922 and 0.41299; ESP Exome Variant Server 0.41550; 1000 Genomes Project 30x 0.44488; 1000 Genomes Project 0.44549.
gnomAD v4.1: 612,846 of 1,589,520 alleles (39%); highest among the groups gnomAD compares: South Asian, 58%; 121,572 homozygotes.

Submissions (4):

Genome-Nilou Lab
Classification: Benign for Combined oxidative phosphorylation deficiency 41. Last evaluated: 2021-09-05. Review status: criteria provided, single submitter. Criteria: ACMG Guidelines, 2015. Collection method: clinical testing. Allele origin: germline. Affected: no.

GeneDx
Classification: Benign. Last evaluated: 2021-05-12. Review status: criteria provided, single submitter. Criteria: GeneDx Variant Classification Process June 2021. Collection method: clinical testing. Allele origin: germline. Affected: yes.

Breakthrough Genomics
Classification: Benign. Review status: criteria provided, single submitter. Criteria: ACMG Guidelines, 2015. Collection method: not provided. Allele origin: germline. Inheritance: Autosomal recessive inheritance. Affected: yes.

PreventionGenetics, part of Exact Sciences
Classification: Benign for GATB-related condition. Last evaluated: 2019-10-30. Review status: no assertion criteria provided. Collection method: clinical testing. Allele origin: germline. Not counted in ClinVar's aggregate classification.
Comment: This variant is classified as benign based on ACMG/AMP sequence variant interpretation guidelines (Richards et al. 2015 PMID: 25741868, with internal and published modifications).